The following is an entry in ClinVar:

NM_206933.4(USH2A):c.101G>A (p.Arg34Gln)

Gene: USH2A (usherin; minus strand). Cytogenetic location: 1q41.
Variant type: single nucleotide variant.
Coding change: c.101G>A on transcript NM_206933.4 (MANE Select); coding-DNA position 101, G replaced by A.
Protein change: p.Arg34Gln; replaces arginine 34 with glutamine.
Molecular consequence: missense variant.
Genome position (GRCh38, 1-based): chr1:216,422,236, C>T on the plus strand (G>A on the coding strand, the complement: USH2A is on the minus strand). VCF-style: chr1-216422236-C-T. GRCh37 (hg19) VCF-style: chr1-216595578-C-T.
Other names: c.101G>A, p.Arg34Gln (NM_007123.6); short protein forms R34Q.
Identifiers: ClinVar variation 1026657 (VCV001026657.9), dbSNP rs2039690682, ClinGen allele CA344905022.

ClinVar aggregate classification (germline): Uncertain significance. Review status: criteria provided, single submitter (1 of 4 stars). 2 submissions from 2 submitters: Uncertain significance (1). 1 of the submissions does not count toward it. Last evaluated 2020-03-17.

Conditions:
Usher syndrome type 2A. Also called: USHER SYNDROME, TYPE IIA; RETINAL DISEASE IN USHER SYNDROME TYPE IIA, MODIFIER OF. Identifiers: Orphanet 231178, Orphanet 886, MedGen C1848634, MONDO:0010169, OMIM 276901.

Allele frequency attached by ClinVar (database versions not stated): gnomAD exomes below 0.00001.
gnomAD v4.1: 2 of 1,612,988 alleles (0.00012%); highest among the groups gnomAD compares: Non-Finnish European, 0.00017%; no homozygotes.

Submissions (2):

Labcorp Genetics (formerly Invitae), Labcorp
Classification: Uncertain significance. Last evaluated: 2020-03-17. Review status: criteria provided, single submitter. Criteria: Invitae Variant Classification Sherloc (09022015). Collection method: clinical testing. Allele origin: germline.
Comment: In summary, the available evidence is currently insufficient to determine the role of this variant in disease. Therefore, it has been classified as a Variant of Uncertain Significance. Algorithms developed to predict the effect of missense changes on protein structure and function output the following: SIFT: "Tolerated"; PolyPhen-2: "Benign"; Align-GVGD: "Class C0". The glutamine amino acid residue is found in multiple mammalian species, suggesting that this missense change does not adversely affect protein function. These predictions have not been confirmed by published functional studies and their clinical significance is uncertain. This variant has not been reported in the literature in individuals with USH2A-related conditions. This variant is not present in population databases (ExAC no frequency). This sequence change replaces arginine with glutamine at codon 34 of the USH2A protein (p.Arg34Gln). The arginine residue is weakly conserved and there is a small physicochemical difference between arginine and glutamine.

Natera, Inc.
Classification: Uncertain significance for Usher syndrome type 2A. Last evaluated: 2020-02-13. Review status: no assertion criteria provided. Collection method: clinical testing. Allele origin: germline. Not counted in ClinVar's aggregate classification.